The following is an entry in ClinVar:

NM_001204.7(BMPR2):c.1459G>A (p.Asp487Asn)

Gene: BMPR2 (bone morphogenetic protein receptor type 2; plus strand). Cytogenetic location: 2q33.2.
Variant type: single nucleotide variant.
Coding change: c.1459G>A on transcript NM_001204.7 (MANE Select); coding-DNA position 1459, G replaced by A.
Protein change: p.Asp487Asn; replaces aspartic acid 487 with asparagine.
Molecular consequence: missense variant.
Genome position (GRCh38, 1-based): chr2:202,552,761, G>A. VCF-style: chr2-202552761-G-A. GRCh37 (hg19) VCF-style: chr2-203417484-G-A.
Other names: short protein forms D487N.
Identifiers: ClinVar variation 4751037 (VCV004751037.2).

ClinVar aggregate classification (germline): Conflicting classifications of pathogenicity. Review status: criteria provided, conflicting classifications (1 of 4 stars). 2 submissions from 2 submitters: Likely pathogenic (1); Uncertain significance (1). Last evaluated 2025-11-09.

Conditions:
Primary pulmonary hypertension. Also called: Idiopathic pulmonary hypertension. Identifiers: MedGen C0152171.
BMPR2-related disorder. Also called: BMPR2-related disorders; BMPR2-related condition.

Submissions (2):

Labcorp Genetics (formerly Invitae), Labcorp
Classification: Uncertain significance for Primary pulmonary hypertension. Last evaluated: 2025-11-09. Review status: criteria provided, single submitter. Criteria: Invitae Variant Classification Sherloc (09022015). Collection method: clinical testing. Allele origin: germline.
Comment: This sequence change replaces aspartic acid, which is acidic and polar, with asparagine, which is neutral and polar, at codon 487 of the BMPR2 protein (p.Asp487Asn). This variant is not present in population databases (gnomAD no frequency). This missense change has been observed in individuals with pulmonary arterial hypertension (PMID: 30578397; internal data). Invitae Evidence Modeling of protein sequence and biophysical properties (such as structural, functional, and spatial information, amino acid conservation, physicochemical variation, residue mobility, and thermodynamic stability) has been performed for this missense variant. However, the output from this modeling did not meet the statistical confidence thresholds required to predict the impact of this variant on BMPR2 protein function. This variant disrupts the p.Asp487 amino acid residue in BMPR2. Other variant(s) that disrupt this residue have been observed in individuals with BMPR2-related conditions (PMID: 21801371, 27453251, 33066286), which suggests that this may be a clinically significant amino acid residue. In summary, the available evidence is currently insufficient to determine the role of this variant in disease. Therefore, it has been classified as a Variant of Uncertain Significance.

PreventionGenetics, part of Exact Sciences
Classification: Likely pathogenic for BMPR2-related condition. Last evaluated: 2025-08-08. Review status: criteria provided, single submitter. Criteria: ACMG Guidelines, 2015. Collection method: clinical testing. Allele origin: germline.
Comment: The BMPR2 c.1459G>A variant is predicted to result in the amino acid substitution p.Asp487Asn. This variant has been reported in three individuals with pulmonary arterial hypertension (Dataset S1, Wang et al. 2018. PubMed ID: 30578397; Table S4, Lyu et al. 2020. PubMed ID: 32634488; Kularatne et al. 2023. PubMed ID: 37094738). This variant has not been reported in a large population database (gnomAD), indicating this variant is rare. Alternate missense changes at the same amino acid position (p.Asp487His, p.Asp487Tyr, p.Asp487Val) have been reported in individuals affected with BMPR2-related disorders (Navas et al. 2016. PubMed ID: 27453251; van den Heuvel et al. 2020. PubMed ID: 33066286; Pfarr et al. 2011. PubMed ID: 21801371; Machado et al. 2009. PubMed ID: 19555857; Table S3, Zhu et al. 2019. PubMed ID: 31727138). This variant is interpreted as likely pathogenic.

Literature cited by the submitters: PubMed 30578397 (cited by Labcorp Genetics (formerly Invitae), Labcorp); PubMed 21801371 (cited by Labcorp Genetics (formerly Invitae), Labcorp); PubMed 27453251 (cited by Labcorp Genetics (formerly Invitae), Labcorp); PubMed 33066286 (cited by Labcorp Genetics (formerly Invitae), Labcorp).